The following is an entry in ClinVar:

ClinVar aggregate classification (germline): Uncertain significance (1 of 4 stars; one submission).

Submission:

Ambry Genetics
Classification: Uncertain significance. Last evaluated: 2025-06-23. Review status: criteria provided, single submitter. Criteria: Ambry Variant Classification Scheme 2023. Collection method: clinical testing. Allele origin: germline.
Comment: The p.L224F variant (also known as c.670C>T), located in coding exon 6 of the RAD51B gene, results from a C to T substitution at nucleotide position 670. The leucine at codon 224 is replaced by phenylalanine, an amino acid with highly similar properties. This amino acid position is conserved. In addition, this alteration is predicted to be tolerated by in silico analysis. Based on the available evidence, the clinical significance of this variant remains unclear.

NM_133510.4(RAD51B):c.670C>T (p.Leu224Phe)

Gene: RAD51B (RAD51 paralog B; plus strand). Cytogenetic location: 14q24.1.
Variant type: single nucleotide variant.
Coding change: c.670C>T on transcript NM_133510.4 (MANE Select); coding-DNA position 670, C replaced by T.
Protein change: p.Leu224Phe; replaces leucine 224 with phenylalanine.
Molecular consequence: missense variant.
Genome position (GRCh38, 1-based): chr14:67,887,118, C>T. VCF-style: chr14-67887118-C-T. GRCh37 (hg19) VCF-style: chr14-68353835-C-T.
Other names: c.670C>T, p.Leu224Phe (NM_001321821.2, NM_002877.6, NM_133509.5 and 6 more transcripts); c.556C>T, p.Leu186Phe (NM_001321815.1); c.313C>T, p.Leu105Phe (NM_001321817.2); short protein forms L186F, L224F, L105F.
Identifiers: ClinVar variation 4149813 (VCV004149813.1).